The following is an entry in ClinVar:

ClinVar aggregate classification (germline): Uncertain significance (1 of 4 stars; one submission).

Conditions:
Psoriasis 2. Identifiers: MedGen C1864497, MONDO:0011269, OMIM 602723.
Pityriasis rubra pilaris (PRP). Also called: Pityriasis rubra pilaris--familial type. Identifiers: Orphanet 2897, MedGen C0032027, MONDO:0100017, OMIM 173200, MONDO:0008251.

Allele frequency attached by ClinVar (database versions not stated): gnomAD exomes below 0.00001.

Submission:

Labcorp Genetics (formerly Invitae), Labcorp
Classification: Uncertain significance for Pityriasis rubra pilaris; Psoriasis 2. Last evaluated: 2023-08-08. Review status: criteria provided, single submitter. Criteria: Invitae Variant Classification Sherloc (09022015). Collection method: clinical testing. Allele origin: germline.
Comment: In summary, the available evidence is currently insufficient to determine the role of this variant in disease. Therefore, it has been classified as a Variant of Uncertain Significance. Algorithms developed to predict the effect of sequence changes on RNA splicing suggest that this variant may disrupt the consensus splice site. This variant has not been reported in the literature in individuals affected with CARD14-related conditions. This variant is not present in population databases (gnomAD no frequency). This variant results in the deletion of part of exon 11 (c.1593_1594+1del) of the CARD14 gene. It is expected to disrupt RNA splicing. Variants that disrupt the donor or acceptor splice site typically lead to a loss of protein function (PMID: 16199547), however the current clinical and genetic evidence is not sufficient to establish whether loss-of-function variants in CARD14 cause disease.

Literature cited by the submitters: PubMed 16199547.

NM_001366385.1(CARD14):c.1593_1594+1del

Gene: CARD14 (caspase recruitment domain family member 14; plus strand). Cytogenetic location: 17q25.3.
Variant type: Deletion.
Coding change: c.1593_1594+1del on transcript NM_001366385.1 (MANE Select); coding-DNA position 1593 through the canonical splice donor site of the intron after coding-DNA position 1594, 3 bases deleted (AGG; older notation c.1593_1594+1delAGG).
Molecular consequence: splice donor variant.
Genome position (GRCh38, 1-based): chr17:80,195,651-80,195,653, AGG deleted. VCF-style (leftmost placement, unchanged base first): chr17-80195650-CAGG-C. GRCh37 (hg19) VCF-style: chr17-78169449-CAGG-C.
Other names: c.1593_1594+1del (NM_024110.4, NM_001257970.1); c.882_883+1del (NM_052819.3).
Identifiers: ClinVar variation 2934737 (VCV002934737.3), dbSNP rs2510669865, ClinGen allele CA2640303736.